The following is an entry in ClinVar:

NM_000053.4(ATP7B):c.117del (p.Phe39fs)

Gene: ATP7B (ATPase copper transporting beta; minus strand). Cytogenetic location: 13q14.3.
Variant type: Deletion.
Coding change: c.117del on transcript NM_000053.4 (MANE Select); coding-DNA position 117, one base deleted (T; older notation c.117delT).
Protein change: p.Phe39fs; shifts the reading frame from phenylalanine 39.
Molecular consequence: frameshift variant.
Genome position (GRCh38, 1-based): chr13:51,975,103, A deleted on the plus strand (T on the coding strand, the reverse complement: ATP7B is on the minus strand); the first of 4 consecutive A bases (chr13:51,975,103-51,975,106); deleting any one gives the same sequence. VCF-style (leftmost placement, unchanged base first): chr13-51975102-CA-C. GRCh37 (hg19) VCF-style: chr13-52549238-CA-C.
Other names: c.117del, p.Phe39fs (NM_001005918.3, NM_001243182.2, NM_001330578.2 and 30 more transcripts); c.21del, p.Phe7fs (NM_001406517.1, NM_001406518.1, NM_001406530.1 and 4 more transcripts); short protein forms F39fs, F7fs.
Identifiers: ClinVar variation 5015449 (VCV005015449.1).

ClinVar aggregate classification (germline): Pathogenic (1 of 4 stars; one submission).

Conditions:
Wilson disease (WND). Also called: Wilson's disease. Identifiers: Orphanet 905, MedGen C0019202, MONDO:0010200, OMIM 277900. Disease mechanism: loss of function.

Submission:

Myriad Genetics, Inc.
Classification: Pathogenic for Wilson disease. Last evaluated: 2026-01-20. Review status: criteria provided, single submitter. Criteria: Myriad Autosomal Dominant, Autosomal Recessive and X-Linked Classification Criteria (2023). Collection method: clinical testing. Allele origin: unknown.
Comment: NM_000053.3(ATP7B):c.117delT(F39Lfs*29) is expected to be pathogenic in the context of Wilson disease. This variant is predicted to lead to an abnormal or absent protein product due to the creation of a premature termination codon in ATP7B, a gene where loss-of-function variants are known to be pathogenic. Please note: this variant was assessed in the context of healthy population screening.